The following is an entry in ClinVar:

ClinVar aggregate classification (germline): Pathogenic (1 of 4 stars; one submission).

Submission:

Labcorp Genetics (formerly Invitae), Labcorp
Classification: Pathogenic. Last evaluated: 2024-10-15. Review status: criteria provided, single submitter. Criteria: Invitae Variant Classification Sherloc (09022015). Collection method: clinical testing. Allele origin: germline.
Comment: This sequence change creates a premature translational stop signal (p.Ala1021Glyfs*2) in the ABCA4 gene. It is expected to result in an absent or disrupted protein product. Loss-of-function variants in ABCA4 are known to be pathogenic (PMID: 10958761, 24938718, 25312043, 26780318). This variant is not present in population databases (gnomAD no frequency). This variant has not been reported in the literature in individuals affected with ABCA4-related conditions. Algorithms developed to predict the effect of sequence changes on RNA splicing suggest that this variant may disrupt the consensus splice site. For these reasons, this variant has been classified as Pathogenic.

Literature cited by the submitters: PubMed 10958761; PubMed 24938718; PubMed 25312043; PubMed 26780318.

NM_000350.3(ABCA4):c.3059_3060insA (p.Ala1021fs)

Gene: ABCA4 (ATP binding cassette subfamily A member 4; minus strand). Cytogenetic location: 1p22.1.
Variant type: Insertion.
Coding change: c.3059_3060insA on transcript NM_000350.3 (MANE Select); coding-DNA positions 3059 to 3060, A inserted.
Protein change: p.Ala1021fs; shifts the reading frame from alanine 1021.
Molecular consequence: frameshift variant.
Genome position: GRCh38 VCF-style: chr1-94043466-C-CT. GRCh37 (hg19) VCF-style: chr1-94509022-C-CT.
Other names: c.2837_2838insA, p.Ala947fs (NM_001425324.1); short protein forms A947fs, A1021fs.
Identifiers: ClinVar variation 3673265 (VCV003673265.2).